The following is an entry in ClinVar:

ClinVar aggregate classification (germline): Uncertain significance (1 of 4 stars; one submission).

Conditions:
Neurodevelopmental disorder with speech impairment and with or without seizures. Also called: Neurodevelopmental disorder with variable intellectual disability and speech impairment, with or without seizures. Identifiers: MedGen C5774252, MONDO:0859313, OMIM 620114.

gnomAD v4.1: 23 of 1,613,658 alleles (0.0014%); highest among the groups gnomAD compares: African/African-American, 0.004%; no homozygotes.

Submission:

Laboratorio de Genetica e Diagnostico Molecular, Hospital Israelita Albert Einstein
Classification: Uncertain significance for Neurodevelopmental disorder with speech impairment and with or without seizures. Last evaluated: 2023-06-01. Review status: criteria provided, single submitter. Criteria: ACMG Guidelines, 2015. Collection method: clinical testing. Allele origin: germline. Affected: yes.
Comment: ACMG classification criteria: PM2 supporting, PP3 supporting

NM_021096.4(CACNA1I):c.2449-4A>G

Gene: CACNA1I (calcium voltage-gated channel subunit alpha1 I; plus strand). Cytogenetic location: 22q13.1.
Variant type: single nucleotide variant.
Coding change: c.2449-4A>G on transcript NM_021096.4 (MANE Select); 4 bases into the intron before coding-DNA position 2449, A replaced by G.
Molecular consequence: intron variant.
Genome position (GRCh38, 1-based): chr22:39,659,693, A>G. VCF-style: chr22-39659693-A-G. GRCh37 (hg19) VCF-style: chr22-40055698-A-G.
Other names: c.2344-4A>G (NM_001003406.2).
Identifiers: ClinVar variation 3902030 (VCV003902030.1).
Genomic context (GRCh38, chr22:39,659,693, plus strand): 5'-GCCTCCTTGTAGAGCCTAGCCCTGGACTAGGGGTACCCCAGGGCTAACTGTGTCTCCCCA[A>G]CAGATCCTCACCCAGGAGGACTGGAACGTCGTTCTCTACAATGGCATGGCCTCCACTTCT-3'